The following is an entry in ClinVar:

NM_000038.6(APC):c.6474C>A (p.Pro2158=)

Gene: APC (APC regulator of Wnt signaling pathway; plus strand). Cytogenetic location: 5q22.2.
Variant type: single nucleotide variant.
Coding change: c.6474C>A on transcript NM_000038.6 (MANE Select); coding-DNA position 6474, C replaced by A.
Protein change: p.Pro2158=; no amino-acid change (proline 2158 retained).
Molecular consequence: synonymous variant.
Genome position (GRCh38, 1-based): chr5:112,842,068, C>A. VCF-style: chr5-112842068-C-A. GRCh37 (hg19) VCF-style: chr5-112177765-C-A.
Other names: c.6474C>A, p.Pro2158= (NM_001127510.3, NM_001354895.2); c.6420C>A, p.Pro2140= (NM_001127511.3); c.6528C>A, p.Pro2176= (NM_001354896.2); c.6504C>A, p.Pro2168= (NM_001354897.2); c.6399C>A, p.Pro2133= (NM_001354898.2); c.6390C>A, p.Pro2130= (NM_001354899.2); c.6351C>A, p.Pro2117= (NM_001354900.2); c.6297C>A, p.Pro2099= (NM_001354901.2); and 5 more.
Identifiers: ClinVar variation 236631 (VCV000236631.25), dbSNP rs772027192, ClinGen allele CA10582332.

ClinVar aggregate classification (germline): Benign/Likely benign. Review status: criteria provided, multiple submitters, no conflicts (2 of 4 stars). 9 submissions from 9 submitters: Benign (1); Likely benign (7). 1 of the submissions does not count toward it. Last evaluated 2026-01-05.

Conditions:
Classic or attenuated familial adenomatous polyposis. Identifiers: MedGen CN372698, MONDO:0021057.
Hereditary cancer-predisposing syndrome. Also called: Hereditary neoplastic syndrome; Hereditary Cancer Syndrome; Neoplastic Syndromes, Hereditary; Tumor predisposition. Identifiers: Orphanet 140162, MedGen C0027672, MeSH D009386, MONDO:0015356.
Familial adenomatous polyposis 1 (FAP1). Also called: FAMILIAL ADENOMATOUS POLYPOSIS 1, ATTENUATED; POLYPOSIS, ADENOMATOUS INTESTINAL. Identifiers: MedGen C2713442, MONDO:0021056, OMIM 175100. Disease mechanism: loss of function.

Allele frequency attached by ClinVar (database versions not stated): TOPMed 0.00002.
gnomAD v4.1: 5 of 1,612,310 alleles (0.00031%); highest among the groups gnomAD compares: Admixed American, 0.0017%; no homozygotes.

Submissions (9):

Labcorp Genetics (formerly Invitae), Labcorp
Classification: Likely benign for Familial adenomatous polyposis 1. Last evaluated: 2026-01-05. Review status: criteria provided, single submitter. Criteria: Invitae Variant Classification Sherloc (09022015). Collection method: clinical testing. Allele origin: germline.

All of Us Research Program, National Institutes of Health
Classification: Likely benign for Classic or attenuated familial adenomatous polyposis. Last evaluated: 2024-01-11. Review status: criteria provided, single submitter. Criteria: ACMG Guidelines, 2015. Collection method: clinical testing. Allele origin: germline. Inheritance: Autosomal dominant inheritance. Observed: 3 variant alleles, 3 heterozygotes.
Comment: This study involves interpretation of variants in research participants for the purpose of population health screening. Participant phenotype was not available at the time of variant classification. Additional details can be found in publication PMID: 35346344, PMCID: PMC8962531

Myriad Genetics, Inc.
Classification: Benign for Familial adenomatous polyposis 1. Last evaluated: 2023-02-15. Review status: criteria provided, single submitter. Criteria: Myriad Autosomal Dominant, Autosomal Recessive and X-Linked Classification Criteria (2023). Collection method: clinical testing. Allele origin: unknown.
Comment: This variant is considered benign. This variant is a silent/synonymous amino acid change and it is not expected to impact splicing.

Sema4
Classification: Likely benign for Hereditary cancer-predisposing syndrome. Last evaluated: 2021-04-07. Review status: criteria provided, single submitter. Criteria: Sema4 Curation Guidelines. Collection method: curation. Allele origin: germline.

Quest Diagnostics Nichols Institute San Juan Capistrano
Classification: Likely benign. Last evaluated: 2020-07-16. Review status: criteria provided, single submitter. Criteria: Quest Diagnostics criteria. Collection method: clinical testing. Allele origin: unknown.

GeneDx
Classification: Likely benign. Last evaluated: 2019-11-19. Review status: criteria provided, single submitter. Criteria: GeneDx Variant Classification Process June 2021. Collection method: clinical testing. Allele origin: germline. Affected: yes.

Color Diagnostics, LLC DBA Color Health
Classification: Likely benign for Hereditary cancer-predisposing syndrome. Last evaluated: 2017-09-14. Review status: criteria provided, single submitter. Criteria: ACMG Guidelines, 2015. Collection method: clinical testing. Allele origin: germline.

Ambry Genetics
Classification: Likely benign for Hereditary cancer-predisposing syndrome. Last evaluated: 2015-08-03. Review status: criteria provided, single submitter. Criteria: Ambry Variant Classification Scheme 2023. Collection method: clinical testing. Allele origin: germline.

Counsyl
Classification: Likely benign for Familial adenomatous polyposis 1. Last evaluated: 2017-03-16. Review status: no assertion criteria provided. Collection method: clinical testing. Allele origin: unknown. Not counted in ClinVar's aggregate classification.